The following is an entry in ClinVar:

ClinVar aggregate classification (germline): Likely benign (1 of 4 stars; one submission).

Conditions:
SLC26A1-related disorder. Also called: SLC26A1-related condition.

gnomAD v4.1: 16 of 1,581,540 alleles (0.001%); highest among the groups gnomAD compares: Middle Eastern, 0.017%; no homozygotes.

Submission:

PreventionGenetics, part of Exact Sciences
Classification: Likely benign for SLC26A1-related condition. Last evaluated: 2026-01-16. Review status: criteria provided, single submitter. Criteria: ACMG Guidelines, 2015. Collection method: clinical testing. Allele origin: germline.
Comment: This variant is classified as likely benign based on ACMG/AMP sequence variant interpretation guidelines (Richards et al. 2015 PMID: 25741868, with internal and published modifications).

NM_022042.4(SLC26A1):c.1566C>T (p.Tyr522=)

Genes: IDUA (alpha-L-iduronidase; plus strand), SLC26A1 (solute carrier family 26 member 1; minus strand). Cytogenetic location: 4p16.3.
Variant type: single nucleotide variant.
Coding change: c.1566C>T on transcript NM_022042.4 (MANE Select); coding-DNA position 1566, C replaced by T.
Protein change: p.Tyr522=; no amino-acid change (tyrosine 522 retained).
Molecular consequence: synonymous variant. On other transcripts: intron variant (2).
Genome position (GRCh38, 1-based): chr4:989,373, G>A on the plus strand (C>T on the coding strand, the complement: SLC26A1 is on the minus strand). VCF-style: chr4-989373-G-A. GRCh37 (hg19) VCF-style: chr4-983161-G-A.
Other names: c.1566C>T, p.Tyr522= (NM_213613.4); c.576+1755C>T (NM_134425.4); c.299+1424G>A (NM_000203.5).
Identifiers: ClinVar variation 4988952 (VCV004988952.1).